The following is an entry in ClinVar:

ClinVar aggregate classification (germline): Uncertain significance (1 of 4 stars; one submission).

Conditions:
Rubinstein-Taybi syndrome due to EP300 haploinsufficiency. Also called: EP300-Related Rubinstein-Taybi Syndrome; RUBINSTEIN-TAYBI SYNDROME 2. Identifiers: Orphanet 353284, Orphanet 783, MedGen C3150941, MONDO:0013364, OMIM 613684.

Submission:

Labcorp Genetics (formerly Invitae), Labcorp
Classification: Uncertain significance for Rubinstein-Taybi syndrome due to EP300 haploinsufficiency. Last evaluated: 2023-05-22. Review status: criteria provided, single submitter. Criteria: Invitae Variant Classification Sherloc (09022015). Collection method: clinical testing. Allele origin: unknown.
Comment: A copy number gain of the genomic region encompassing the full coding sequence of the EP300 gene has been identified. The boundaries of this event are unknown as they extend beyond the assayed region for this gene and therefore may encompass additional genes. As the precise location of this event is unknown, it may be in tandem or it may be located elsewhere in the genome. This variant has not been reported in the literature in individuals affected with EP300-related conditions. In summary, the available evidence is currently insufficient to determine the role of this variant in disease. Therefore, it has been classified as a Variant of Uncertain Significance.

NC_000022.10:g.(?_39306081)_(41904073_?)dup

Genes: ACO2 (aconitase 2; plus strand), ADSL (adenylosuccinate lyase; plus strand), APOBEC3A (apolipoprotein B mRNA editing enzyme catalytic subunit 3A; plus strand), APOBEC3B (apolipoprotein B mRNA editing enzyme catalytic subunit 3B; plus strand), APOBEC3C (apolipoprotein B mRNA editing enzyme catalytic subunit 3C; plus strand) and 39 more. Cytogenetic location: 22q13.1-13.2.
Variant type: Duplication.
Identifiers: ClinVar variation 3247951 (VCV003247951.1).